The following is an entry in ClinVar:

NM_006767.4(LZTR1):c.1348G>A (p.Gly450Ser)

Gene: LZTR1 (leucine zipper like post translational regulator 1; plus strand). Cytogenetic location: 22q11.21.
Variant type: single nucleotide variant.
Coding change: c.1348G>A on transcript NM_006767.4 (MANE Select); coding-DNA position 1348, G replaced by A.
Protein change: p.Gly450Ser; replaces glycine 450 with serine.
Molecular consequence: missense variant.
Genome position (GRCh38, 1-based): chr22:20,993,749, G>A. VCF-style: chr22-20993749-G-A. GRCh37 (hg19) VCF-style: chr22-21348038-G-A.
Other names: short protein forms G450S.
Identifiers: ClinVar variation 1770523 (VCV001770523.4), dbSNP rs1924689825, ClinGen allele CA410774766.

ClinVar aggregate classification (germline): Uncertain significance. Review status: criteria provided, multiple submitters, no conflicts (2 of 4 stars). 2 submissions from 2 submitters: Uncertain significance (2). Last evaluated 2025-12-22.

Conditions:
Cardiovascular phenotype. Identifiers: MedGen CN230736.
Hereditary cancer-predisposing syndrome. Also called: Hereditary Cancer Syndrome; Hereditary neoplastic syndrome; Neoplastic Syndromes, Hereditary; Tumor predisposition. Identifiers: Orphanet 140162, MedGen C0027672, MeSH D009386, MONDO:0015356.

Allele frequency attached by ClinVar (database versions not stated): TOPMed below 0.00001.

Submissions (2):

Labcorp Genetics (formerly Invitae), Labcorp
Classification: Uncertain significance. Last evaluated: 2025-12-22. Review status: criteria provided, single submitter. Criteria: Invitae Variant Classification Sherloc (09022015). Collection method: clinical testing. Allele origin: germline.
Comment: This sequence change replaces glycine, which is neutral and non-polar, with serine, which is neutral and polar, at codon 450 of the LZTR1 protein (p.Gly450Ser). This variant is not present in population databases (gnomAD no frequency). This variant has not been reported in the literature in individuals affected with LZTR1-related conditions. ClinVar contains an entry for this variant (Variation ID: 1770523). Invitae Evidence Modeling of protein sequence and biophysical properties (such as structural, functional, and spatial information, amino acid conservation, physicochemical variation, residue mobility, and thermodynamic stability) indicates that this missense variant is not expected to disrupt LZTR1 protein function with a negative predictive value of 80%. In summary, the available evidence is currently insufficient to determine the role of this variant in disease. Therefore, it has been classified as a Variant of Uncertain Significance.

Ambry Genetics
Classification: Uncertain significance for Cardiovascular phenotype; Hereditary cancer-predisposing syndrome. Last evaluated: 2024-08-19. Review status: criteria provided, single submitter. Criteria: Ambry Variant Classification Scheme 2023. Collection method: clinical testing. Allele origin: germline.
Comment: The p.G450S variant (also known as c.1348G>A), located in coding exon 12 of the LZTR1 gene, results from a G to A substitution at nucleotide position 1348. The glycine at codon 450 is replaced by serine, an amino acid with similar properties. This amino acid position is highly conserved in available vertebrate species. In addition, the in silico prediction for this alteration is inconclusive. Based on the available evidence, the clinical significance of this variant remains unclear.